The following is an entry in ClinVar:

NM_000088.4(COL1A1):c.272G>A (p.Cys91Tyr)

Gene: COL1A1 (collagen type I alpha 1 chain; minus strand). Cytogenetic location: 17q21.33.
Variant type: single nucleotide variant.
Coding change: c.272G>A on transcript NM_000088.4 (MANE Select); coding-DNA position 272, G replaced by A.
Protein change: p.Cys91Tyr; replaces cysteine 91 with tyrosine.
Molecular consequence: missense variant.
Genome position (GRCh38, 1-based): chr17:50,199,779, C>T on the plus strand (G>A on the coding strand, the complement: COL1A1 is on the minus strand). VCF-style: chr17-50199779-C-T. GRCh37 (hg19) VCF-style: chr17-48277140-C-T.
Other names: short protein forms C91Y.
Identifiers: ClinVar variation 2749226 (VCV002749226.3), dbSNP rs2509258243, ClinGen allele CA400228079.

ClinVar aggregate classification (germline): Uncertain significance (1 of 4 stars; one submission).

Conditions:
Osteogenesis imperfecta type I (OI1). Also called: Lobstein's Disease; Lobstein disease; OI, TYPE I; OSTEOGENESIS IMPERFECTA TARDA; OSTEOGENESIS IMPERFECTA WITH BLUE SCLERAE; Osteogenesis imperfecta type 1. Identifiers: Orphanet 216796, Orphanet 666, MedGen C0023931, MONDO:0008146, OMIM 166200. Disease mechanism: loss of function.

Submission:

Labcorp Genetics (formerly Invitae), Labcorp
Classification: Uncertain significance for Osteogenesis imperfecta type I. Last evaluated: 2023-08-02. Review status: criteria provided, single submitter. Criteria: Invitae Variant Classification Sherloc (09022015). Collection method: clinical testing. Allele origin: germline.
Comment: This sequence change replaces cysteine, which is neutral and slightly polar, with tyrosine, which is neutral and polar, at codon 91 of the COL1A1 protein (p.Cys91Tyr). This variant is not present in population databases (gnomAD no frequency). This variant has not been reported in the literature in individuals affected with COL1A1-related conditions. In summary, the available evidence is currently insufficient to determine the role of this variant in disease. Therefore, it has been classified as a Variant of Uncertain Significance. Advanced modeling of protein sequence and biophysical properties (such as structural, functional, and spatial information, amino acid conservation, physicochemical variation, residue mobility, and thermodynamic stability) performed at Invitae indicates that this missense variant is expected to disrupt COL1A1 protein function.